The following is an entry in ClinVar:

NM_000038.6(APC):c.3077del (p.Asn1026fs)

Gene: APC (APC regulator of Wnt signaling pathway; plus strand). Cytogenetic location: 5q22.2.
Variant type: Deletion.
Coding change: c.3077del on transcript NM_000038.6 (MANE Select); coding-DNA position 3077, one base deleted (A; older notation c.3077delA).
Protein change: p.Asn1026fs; shifts the reading frame from asparagine 1026.
Molecular consequence: frameshift variant. On other transcripts: non-coding transcript variant (2).
Genome position (GRCh38, 1-based): chr5:112,838,671, A deleted; the last of 3 consecutive A bases (chr5:112,838,669-112,838,671); deleting any one gives the same sequence. VCF-style (leftmost placement, unchanged base first): chr5-112838668-TA-T. GRCh37 (hg19) VCF-style: chr5-112174365-TA-T.
Other names: c.3077del, p.Asn1026fs (NM_001127510.3, NM_001354895.2, NM_001407450.1); c.3023del, p.Asn1008fs (NM_001127511.3); c.3131del, p.Asn1044fs (NM_001354896.2, NM_001407447.1, NM_001407448.1 and 1 more transcripts); c.3107del, p.Asn1036fs (NM_001354897.2); c.3002del, p.Asn1001fs (NM_001354898.2); c.2993del, p.Asn998fs (NM_001354899.2); c.2954del, p.Asn985fs (NM_001354900.2); c.2900del, p.Asn967fs (NM_001354901.2, NM_001407453.1); and 11 more; short protein forms N1001fs, N1008fs, N1016fs, N1019fs, N1026fs, N1036fs, N1044fs, N1054fs.
Identifiers: ClinVar variation 3254401 (VCV003254401.1), dbSNP rs2533469313.

ClinVar aggregate classification (germline): Pathogenic (1 of 4 stars; one submission).

Conditions:
Familial adenomatous polyposis 1 (FAP1). Also called: FAMILIAL ADENOMATOUS POLYPOSIS 1, ATTENUATED; POLYPOSIS, ADENOMATOUS INTESTINAL. Identifiers: MedGen C2713442, MONDO:0021056, OMIM 175100. Disease mechanism: loss of function.

Submission:

Myriad Genetics, Inc.
Classification: Pathogenic for Familial adenomatous polyposis 1. Last evaluated: 2024-06-10. Review status: criteria provided, single submitter. Criteria: Myriad Autosomal Dominant, Autosomal Recessive and X-Linked Classification Criteria (2023). Collection method: clinical testing. Allele origin: unknown.
Comment: This variant is considered pathogenic. This variant creates a frameshift predicted to result in premature protein truncation.